The following is an entry in ClinVar:

ClinVar aggregate classification (germline): Uncertain significance. Review status: criteria provided, multiple submitters, no conflicts (2 of 4 stars). 6 submissions from 6 submitters: Uncertain significance (5). 1 of the submissions does not count toward it. Last evaluated 2025-12-09.

Conditions:
Hereditary cancer-predisposing syndrome. Also called: Neoplastic Syndromes, Hereditary; Hereditary Cancer Syndrome; Tumor predisposition; Hereditary neoplastic syndrome. Identifiers: Orphanet 140162, MedGen C0027672, MeSH D009386, MONDO:0015356.
Ataxia-telangiectasia syndrome (AT). Also called: Ataxia-telangiectasia, complementation group D; AT, COMPLEMENTATION GROUP C; Ataxia-telangiectasia, complementation group E; Cerebello-oculocutaneous telangiectasia; Immunodeficiency with ataxia telangiectasia; ATAXIA-TELANGIECTASIA, COMPLEMENTATION GROUP A. Identifiers: Orphanet 100, MedGen C0004135, MONDO:0008840, OMIM 208900.
Familial cancer of breast. Also called: hereditary breast carcinoma; BREAST CANCER, FAMILIAL; Hereditary breast cancer. Identifiers: Orphanet 227535, MedGen C0346153, MONDO:0016419, OMIM 114480. Disease mechanism: loss of function.

Allele frequency attached by ClinVar (database versions not stated): gnomAD exomes below 0.00001.
gnomAD v4.1: 2 of 1,613,922 alleles (0.00012%); highest among the groups gnomAD compares: Non-Finnish European, 0.00017%; no homozygotes.

Submissions (6):

Labcorp Genetics (formerly Invitae), Labcorp
Classification: Uncertain significance for Ataxia-telangiectasia syndrome. Last evaluated: 2025-12-09. Review status: criteria provided, single submitter. Criteria: Invitae Variant Classification Sherloc (09022015). Collection method: clinical testing. Allele origin: germline.
Comment: This sequence change replaces leucine, which is neutral and non-polar, with phenylalanine, which is neutral and non-polar, at codon 1173 of the ATM protein (p.Leu1173Phe). This variant is not present in population databases (gnomAD no frequency). This missense change has been observed in individual(s) with prostate cancer (PMID: 33436325). ClinVar contains an entry for this variant (Variation ID: 582683). Invitae Evidence Modeling of protein sequence and biophysical properties (such as structural, functional, and spatial information, amino acid conservation, physicochemical variation, residue mobility, and thermodynamic stability) indicates that this missense variant is not expected to disrupt ATM protein function with a negative predictive value of 95%. In summary, the available evidence is currently insufficient to determine the role of this variant in disease. Therefore, it has been classified as a Variant of Uncertain Significance.

Center for Genomic Medicine, Rigshospitalet, Copenhagen University Hospital
Classification: Uncertain significance. Last evaluated: 2025-03-04. Review status: criteria provided, single submitter. Criteria: ACMG Guidelines, 2015. Collection method: clinical testing. Allele origin: germline.

Ambry Genetics
Classification: Uncertain significance for Hereditary cancer-predisposing syndrome. Last evaluated: 2024-06-27. Review status: criteria provided, single submitter. Criteria: Ambry Variant Classification Scheme 2023. Collection method: clinical testing. Allele origin: germline.
Comment: The p.L1173F variant (also known as c.3519G>C), located in coding exon 23 of the ATM gene, results from a G to C substitution at nucleotide position 3519. The leucine at codon 1173 is replaced by phenylalanine, an amino acid with highly similar properties. This variant was reported in 1/5560 prostate cancer cases and in 0/3353 controls of European ancestry (Karlsson Q et al. Eur Urol Oncol, 2021 Aug;4:570-579). This amino acid position is highly conserved in available vertebrate species. In addition, this alteration is predicted to be deleterious by in silico analysis. Based on the available evidence, the clinical significance of this variant remains unclear.

Baylor Genetics
Classification: Uncertain significance for Familial cancer of breast. Last evaluated: 2024-03-24. Review status: criteria provided, single submitter. Criteria: ACMG Guidelines, 2015. Collection method: clinical testing. Allele origin: unknown.

GeneDx
Classification: Uncertain significance. Last evaluated: 2023-07-26. Review status: criteria provided, single submitter. Criteria: GeneDx Variant Classification Process June 2021. Collection method: clinical testing. Allele origin: germline. Affected: yes.
Comment: Not observed at significant frequency in large population cohorts (gnomAD); In silico analysis supports that this missense variant has a deleterious effect on protein structure/function; Identified in an individual with prostate cancer (Karlsson et al., 2021); This variant is associated with the following publications: (PMID: 19781682, 33436325)

Natera, Inc.
Classification: Uncertain significance for Ataxia-telangiectasia. Last evaluated: 2020-03-10. Review status: no assertion criteria provided. Collection method: clinical testing. Allele origin: germline. Not counted in ClinVar's aggregate classification.

Literature cited by the submitters: PubMed 33436325 (cited by 3 submitters).

NM_000051.4(ATM):c.3519G>C (p.Leu1173Phe)

Gene: ATM (ATM serine/threonine kinase; plus strand). Cytogenetic location: 11q22.3.
Variant type: single nucleotide variant.
Coding change: c.3519G>C on transcript NM_000051.4 (MANE Select); coding-DNA position 3519, G replaced by C.
Protein change: p.Leu1173Phe; replaces leucine 1173 with phenylalanine.
Molecular consequence: missense variant.
Genome position (GRCh38, 1-based): chr11:108,281,111, G>C. VCF-style: chr11-108281111-G-C. GRCh37 (hg19) VCF-style: chr11-108151838-G-C.
Other names: c.3519G>C, p.Leu1173Phe (NM_001351834.2); short protein forms L1173F.
Identifiers: ClinVar variation 582683 (VCV000582683.18), dbSNP rs1565442034, ClinGen allele CA382520016.